The following is an entry in ClinVar:

ClinVar aggregate classification (germline): Benign/Likely benign. Review status: criteria provided, multiple submitters, no conflicts (2 of 4 stars). 4 submissions from 4 submitters: Benign (1); Likely benign (3). Last evaluated 2025-05-12.

Conditions:
Hereditary cancer-predisposing syndrome. Also called: Hereditary neoplastic syndrome; Tumor predisposition; Neoplastic Syndromes, Hereditary; Hereditary Cancer Syndrome. Identifiers: Orphanet 140162, MedGen C0027672, MeSH D009386, MONDO:0015356.
Breast-ovarian cancer, familial, susceptibility to, 3. Also called: RAD51C-Related Breast/Ovarian Cancer. Identifiers: Orphanet 145, MedGen C3150659, MONDO:0013253, OMIM 613399.
Fanconi anemia complementation group O. Also called: RAD51C-Related Fanconi Anemia. Identifiers: Orphanet 84, MedGen C3150653, MONDO:0013248, OMIM 613390.

Allele frequency attached by ClinVar (database versions not stated): gnomAD exomes below 0.00001.
gnomAD v4.1: 1 of 1,614,202 alleles (0.000062%); highest among the groups gnomAD compares: East Asian, 0.0022%; no homozygotes.

Submissions (4):

Color Diagnostics, LLC DBA Color Health
Classification: Likely benign for Hereditary cancer-predisposing syndrome. Last evaluated: 2025-05-12. Review status: criteria provided, single submitter. Criteria: ACMG Guidelines, 2015. Collection method: clinical testing. Allele origin: germline.

Myriad Genetics, Inc.
Classification: Benign for Breast-ovarian cancer, familial, susceptibility to, 3. Last evaluated: 2025-02-18. Review status: criteria provided, single submitter. Criteria: Myriad Autosomal Dominant, Autosomal Recessive and X-Linked Classification Criteria (2023). Collection method: clinical testing. Allele origin: unknown.
Comment: This variant is considered benign. This variant is a silent/synonymous amino acid change and it is not expected to impact splicing.

Ambry Genetics
Classification: Likely benign for Hereditary cancer-predisposing syndrome. Last evaluated: 2023-12-04. Review status: criteria provided, single submitter. Criteria: Ambry Variant Classification Scheme 2023. Collection method: clinical testing. Allele origin: germline.

Labcorp Genetics (formerly Invitae), Labcorp
Classification: Likely benign for Fanconi anemia complementation group O. Last evaluated: 2019-04-17. Review status: criteria provided, single submitter. Criteria: Invitae Variant Classification Sherloc (09022015). Collection method: clinical testing. Allele origin: germline.

NM_058216.3(RAD51C):c.423T>C (p.Asp141=)

Gene: RAD51C (RAD51 paralog C; plus strand). Cytogenetic location: 17q22.
Variant type: single nucleotide variant.
Coding change: c.423T>C on transcript NM_058216.3 (MANE Select); coding-DNA position 423, T replaced by C.
Protein change: p.Asp141=; no amino-acid change (aspartic acid 141 retained).
Molecular consequence: synonymous variant.
Genome position (GRCh38, 1-based): chr17:58,696,711, T>C. VCF-style: chr17-58696711-T-C. GRCh37 (hg19) VCF-style: chr17-56774072-T-C.
Other names: c.423T>C (NM_058216.1).
Identifiers: ClinVar variation 1109287 (VCV001109287.11), dbSNP rs2048022400, ClinGen allele CA501074867.